The following is an entry in ClinVar:

ClinVar aggregate classification (germline): Uncertain significance (1 of 4 stars; one submission).

Submission:

Labcorp Genetics (formerly Invitae), Labcorp
Classification: Uncertain significance. Last evaluated: 2022-07-21. Review status: criteria provided, single submitter. Criteria: Invitae Variant Classification Sherloc (09022015). Collection method: clinical testing. Allele origin: germline.
Comment: This variant has not been reported in the literature in individuals affected with MYO18B-related conditions. This sequence change replaces leucine, which is neutral and non-polar, with valine, which is neutral and non-polar, at codon 1280 of the MYO18B protein (p.Leu1280Val). This variant is not present in population databases (gnomAD no frequency). Algorithms developed to predict the effect of missense changes on protein structure and function are either unavailable or do not agree on the potential impact of this missense change (SIFT: "Not Available"; PolyPhen-2: "Benign"; Align-GVGD: "Not Available"). In summary, the available evidence is currently insufficient to determine the role of this variant in disease. Therefore, it has been classified as a Variant of Uncertain Significance.

NM_032608.7(MYO18B):c.3838C>G (p.Leu1280Val)

Gene: MYO18B (myosin XVIIIB; plus strand). Cytogenetic location: 22q12.1.
Variant type: single nucleotide variant.
Coding change: c.3838C>G on transcript NM_032608.7 (MANE Select); coding-DNA position 3838, C replaced by G.
Protein change: p.Leu1280Val; replaces leucine 1280 with valine.
Molecular consequence: missense variant.
Genome position (GRCh38, 1-based): chr22:25,851,532, C>G. VCF-style: chr22-25851532-C-G. GRCh37 (hg19) VCF-style: chr22-26247499-C-G.
Other names: c.3841C>G, p.Leu1281Val (NM_001318245.2); short protein forms L1280V, L1281V.
Identifiers: ClinVar variation 2095542 (VCV002095542.4), dbSNP rs2090428220, ClinGen allele CA411002687.